The following is an entry in ClinVar:

NM_024854.5(PYROXD1):c.1284G>C (p.Gln428His)

Gene: PYROXD1 (pyridine nucleotide-disulphide oxidoreductase domain 1; plus strand). Cytogenetic location: 12p12.1.
Variant type: single nucleotide variant.
Coding change: c.1284G>C on transcript NM_024854.5 (MANE Select); coding-DNA position 1284, G replaced by C.
Protein change: p.Gln428His; replaces glutamine 428 with histidine.
Molecular consequence: missense variant.
Genome position (GRCh38, 1-based): chr12:21,468,535, G>C. VCF-style: chr12-21468535-G-C. GRCh37 (hg19) VCF-style: chr12-21621469-G-C.
Other names: c.1071G>C, p.Gln357His (NM_001350912.2); c.507G>C, p.Gln169His (NM_001350913.2); short protein forms Q428H, Q357H, Q169H.
Identifiers: ClinVar variation 1945520 (VCV001945520.2), dbSNP rs747575006, ClinGen allele CA6478528.

ClinVar aggregate classification (germline): Uncertain significance (1 of 4 stars; one submission).

Allele frequency attached by ClinVar (database versions not stated): ExAC 0.00001; gnomAD 0.00005.
gnomAD v4.1: 53 of 1,612,536 alleles (0.0033%); highest among the groups gnomAD compares: Non-Finnish European, 0.0043%; no homozygotes.

Submission:

Labcorp Genetics (formerly Invitae), Labcorp
Classification: Uncertain significance. Last evaluated: 2022-04-04. Review status: criteria provided, single submitter. Criteria: Invitae Variant Classification Sherloc (09022015). Collection method: clinical testing. Allele origin: germline.
Comment: This sequence change replaces glutamine, which is neutral and polar, with histidine, which is basic and polar, at codon 428 of the PYROXD1 protein (p.Gln428His). This variant is present in population databases (rs747575006, gnomAD 0.005%). This variant has not been reported in the literature in individuals affected with PYROXD1-related conditions. Algorithms developed to predict the effect of missense changes on protein structure and function are either unavailable or do not agree on the potential impact of this missense change (SIFT: "Deleterious"; PolyPhen-2: "Probably Damaging"; Align-GVGD: "Class C0"). In summary, the available evidence is currently insufficient to determine the role of this variant in disease. Therefore, it has been classified as a Variant of Uncertain Significance.